The following is an entry in ClinVar:

ClinVar aggregate classification (germline): Uncertain significance. Review status: criteria provided, multiple submitters, no conflicts (2 of 4 stars). 4 submissions from 4 submitters: Uncertain significance (4). Last evaluated 2026-02-05.

Conditions:
Hereditary cancer-predisposing syndrome. Also called: Neoplastic Syndromes, Hereditary; Hereditary neoplastic syndrome; Tumor predisposition; Hereditary Cancer Syndrome. Identifiers: Orphanet 140162, MedGen C0027672, MeSH D009386, MONDO:0015356.
Tuberous sclerosis syndrome (TSC). Also called: Tuberous Sclerosis Complex; Tuberous sclerosis. Identifiers: Orphanet 805, MedGen C0041341, MONDO:0001734.
Tuberous sclerosis 2 (TSC2). Identifiers: Orphanet 805, MedGen C1860707, MONDO:0013199, OMIM 613254.

gnomAD v4.1: 1 of 1,613,060 alleles (0.000062%); highest among the groups gnomAD compares: Non-Finnish European, 0.000085%; no homozygotes.

Submissions (4):

Dasa
Classification: Uncertain significance for Tuberous sclerosis 2. Last evaluated: 2026-02-05. Review status: criteria provided, single submitter. Criteria: DASA Assertion Criteria. Collection method: clinical testing. Allele origin: germline.
Comment: NM_000548.5(TSC2):c.2473G>T (p.Val825Phe) is a missense variant that results in the substitution of valine with phenylalanine. This variant is rare in population databases. Computational prediction algorithms are consistent with a deleterious effect. The currently available literature and clinical evidence are not sufficient to establish a definitive association between this variant and the reported condition. Therefore, this variant is classified as a variant of uncertain significance.

Labcorp Genetics (formerly Invitae), Labcorp
Classification: Uncertain significance for Tuberous sclerosis 2. Last evaluated: 2023-10-20. Review status: criteria provided, single submitter. Criteria: Invitae Variant Classification Sherloc (09022015). Collection method: clinical testing. Allele origin: germline.
Comment: This sequence change replaces valine, which is neutral and non-polar, with phenylalanine, which is neutral and non-polar, at codon 825 of the TSC2 protein (p.Val825Phe). This variant is not present in population databases (gnomAD no frequency). This variant has not been reported in the literature in individuals affected with TSC2-related conditions. ClinVar contains an entry for this variant (Variation ID: 1479007). Advanced modeling of protein sequence and biophysical properties (such as structural, functional, and spatial information, amino acid conservation, physicochemical variation, residue mobility, and thermodynamic stability) performed at Invitae indicates that this missense variant is not expected to disrupt TSC2 protein function. In summary, the available evidence is currently insufficient to determine the role of this variant in disease. Therefore, it has been classified as a Variant of Uncertain Significance.

Ambry Genetics
Classification: Uncertain significance for Hereditary cancer-predisposing syndrome. Last evaluated: 2023-06-15. Review status: criteria provided, single submitter. Criteria: Ambry Variant Classification Scheme 2023. Collection method: clinical testing. Allele origin: germline.
Comment: The p.V825F variant (also known as c.2473G>T), located in coding exon 21 of the TSC2 gene, results from a G to T substitution at nucleotide position 2473. The valine at codon 825 is replaced by phenylalanine, an amino acid with highly similar properties. This amino acid position is conserved. In addition, the in silico prediction for this alteration is inconclusive. Since supporting evidence is limited at this time, the clinical significance of this alteration remains unclear.

All of Us Research Program, National Institutes of Health
Classification: Uncertain significance for Tuberous sclerosis syndrome. Last evaluated: 2023-06-08. Review status: criteria provided, single submitter. Criteria: ACMG Guidelines, 2015. Collection method: clinical testing. Allele origin: germline. Inheritance: Autosomal dominant inheritance. Observed: 1 variant allele, 1 heterozygote.
Comment: This missense variant replaces valine with phenylalanine at codon 825 of the TSC2 protein. Computational prediction is inconclusive regarding the impact of this variant on protein structure and function (internally defined REVEL score threshold 0.5 < inconclusive < 0.7, PMID: 27666373). To our knowledge, functional studies have not been reported for this variant. This variant has not been reported in individuals affected with TSC2-related disorders in the literature. This variant has not been identified in the general population by the Genome Aggregation Database (gnomAD). The available evidence is insufficient to determine the role of this variant in disease conclusively. Therefore, this variant is classified as a Variant of Uncertain Significance.

This study involves interpretation of variants in research participants for the purpose of population health screening. Participant phenotype was not available at the time of variant classification. Additional details can be found in publication PMID: 35346344, PMCID: PMC8962531

NM_000548.5(TSC2):c.2473G>T (p.Val825Phe)

Gene: TSC2 (TSC complex subunit 2; plus strand). Cytogenetic location: 16p13.3.
Variant type: single nucleotide variant.
Coding change: c.2473G>T on transcript NM_000548.5 (MANE Select); coding-DNA position 2473, G replaced by T.
Protein change: p.Val825Phe; replaces valine 825 with phenylalanine.
Molecular consequence: missense variant.
Genome position (GRCh38, 1-based): chr16:2,074,317, G>T. VCF-style: chr16-2074317-G-T. GRCh37 (hg19) VCF-style: chr16-2124318-G-T.
Other names: c.2473G>T, p.Val825Phe (NM_001077183.3, NM_001114382.3, NM_001363528.2 and 3 more transcripts); c.2362G>T, p.Val788Phe (NM_001318827.2); c.2326G>T, p.Val776Phe (NM_001318829.2); c.1873G>T, p.Val625Phe (NM_001318831.2); c.2506G>T, p.Val836Phe (NM_001318832.2); c.2473G>T (NM_000548.3); short protein forms V625F, V788F, V836F, V776F, V825F.
Identifiers: ClinVar variation 1479007 (VCV001479007.11), dbSNP rs149860212, ClinGen allele CA394277647.